The following is an entry in ClinVar:

ClinVar aggregate classification (germline): Pathogenic/Likely pathogenic. Review status: criteria provided, multiple submitters, no conflicts (2 of 4 stars). 3 submissions from 2 submitters: Pathogenic (1); Likely pathogenic (1). 1 of the submissions does not count toward it. Last evaluated 2026-10-22.

Conditions:
Developmental delay with variable neurologic and brain abnormalities (MLHNS). Also called: MALHOTRA NEURODEVELOPMENTAL SYNDROME. Identifiers: MedGen C5562060, MONDO:0859218, OMIM 619694.
brain structure abnormalities.
Developmental delay. Also called: Delayed development. Identifiers: MedGen C0424605.
Dysmorphic features. Identifiers: MedGen C0432072.
Motor delay. Also called: Motor Developmental Delay; Motor retardation. Identifiers: MedGen C1854301, HP:0001270.

gnomAD v4.1: 1 of 1,602,036 alleles (0.000062%); highest among the groups gnomAD compares: Non-Finnish European, 0.000085%; no homozygotes.

Submissions (3):

Genetics Department, University Hospital of Toulouse
Classification: Pathogenic for Developmental delay with variable neurologic and brain abnormalities. Last evaluated: 2026-10-22. Review status: criteria provided, single submitter. Criteria: ACMG Guidelines, 2015. Collection method: clinical testing. Allele origin: unknown. Inheritance: Autosomal dominant inheritance. Affected: yes.
Comment: The LMBRD2 c.1447C>T p.(Arg483Cys) missense variant has been identified in individuals with a phenotype consistent with developmental delay with variable neurologic and brain abnormalities (DENBA) in a de novo state (PMID: 37152996; internal data). Additionally, a different amino acid substitution at the same codon, p.(Arg483His), has been reported in individual(s) with DENBA (PMID: 32820033). This variant is not observed at a significant frequency in version 4.1.2 of the Genome Aggregation Database. Multiple lines of computational evidence suggest the variant may impact the gene or gene product. Based on the available evidence, the c.1447C>T p.(Arg483Cys) variant has been classified as pathogenic for developmental delay with variable neurologic and brain abnormalities.

Equipe Genetique des Anomalies du Developpement, Université de Bourgogne
Classification: Likely pathogenic for Developmental delay with variable neurologic and brain abnormalities. Last evaluated: 2020-09-23. Review status: criteria provided, single submitter. Criteria: ACMG Guidelines, 2015. Collection method: research. Allele origin: de novo. Affected: yes.

Equipe Genetique des Anomalies du Developpement, Université de Bourgogne
Classification: Likely pathogenic for developmental delay; motor delay; brain structure abnormalities; dysmorphic features. Last evaluated: 2020-09-22. Review status: no assertion criteria provided. Collection method: clinical testing. Allele origin: de novo. Affected: yes. Not counted in ClinVar's aggregate classification.

Literature cited by the submitters: PubMed 37152996 (cited by Genetics Department, University Hospital of Toulouse); PubMed 32820033 (cited by Genetics Department, University Hospital of Toulouse and Equipe Genetique des Anomalies du Developpement, Université de Bourgogne).

NM_001007527.2(LMBRD2):c.1447C>T (p.Arg483Cys)

Gene: LMBRD2 (LMBR1 domain containing 2; minus strand). Cytogenetic location: 5p13.2.
Variant type: single nucleotide variant.
Coding change: c.1447C>T on transcript NM_001007527.2 (MANE Select); coding-DNA position 1447, C replaced by T.
Protein change: p.Arg483Cys; replaces arginine 483 with cysteine.
Molecular consequence: missense variant.
Genome position (GRCh38, 1-based): chr5:36,115,110, G>A on the plus strand (C>T on the coding strand, the complement: LMBRD2 is on the minus strand). VCF-style: chr5-36115110-G-A. GRCh37 (hg19) VCF-style: chr5-36115212-G-A.
Other names: short protein forms R483C.
Identifiers: ClinVar variation 982396 (VCV000982396.3), dbSNP rs1743709062, ClinGen allele CA359444528.